The following is an entry in ClinVar:

ClinVar aggregate classification (germline): Uncertain significance (1 of 4 stars; one submission).

gnomAD v4.1: 12 of 1,207,942 alleles (0.00099%); highest among the groups gnomAD compares: East Asian, 0.0089%; no homozygotes.

Submission:

Labcorp Genetics (formerly Invitae), Labcorp
Classification: Uncertain significance. Last evaluated: 2024-04-15. Review status: criteria provided, single submitter. Criteria: Invitae Variant Classification Sherloc (09022015). Collection method: clinical testing. Allele origin: germline.
Comment: This sequence change replaces arginine, which is basic and polar, with tryptophan, which is neutral and slightly polar, at codon 402 of the CACNA1F protein (p.Arg402Trp). This variant is present in population databases (rs368387863, gnomAD 0.01%). This variant has not been reported in the literature in individuals affected with CACNA1F-related conditions. Advanced modeling of protein sequence and biophysical properties (such as structural, functional, and spatial information, amino acid conservation, physicochemical variation, residue mobility, and thermodynamic stability) performed at Invitae indicates that this missense variant is not expected to disrupt CACNA1F protein function with a negative predictive value of 80%. In summary, the available evidence is currently insufficient to determine the role of this variant in disease. Therefore, it has been classified as a Variant of Uncertain Significance.

NM_001256789.3(CACNA1F):c.1204C>T (p.Arg402Trp)

Gene: CACNA1F (calcium voltage-gated channel subunit alpha1 F; minus strand). Cytogenetic location: Xp11.23.
Variant type: single nucleotide variant.
Coding change: c.1204C>T on transcript NM_001256789.3 (MANE Select); coding-DNA position 1204, C replaced by T.
Protein change: p.Arg402Trp; replaces arginine 402 with tryptophan.
Molecular consequence: missense variant.
Genome position (GRCh38, 1-based): chrX:49,227,042, G>A on the plus strand (C>T on the coding strand, the complement: CACNA1F is on the minus strand). VCF-style: chrX-49227042-G-A. GRCh37 (hg19) VCF-style: chrX-49083504-G-A.
Other names: c.1009C>T, p.Arg337Trp (NM_001256790.3); c.1204C>T, p.Arg402Trp (NM_005183.4); short protein forms R337W, R402W.
Identifiers: ClinVar variation 3642059 (VCV003642059.2).
Genomic context (GRCh38, chrX:49,227,042, plus strand): 5'-CGGCGGAGGGGTCCTCCATGTCCAGCTCTTCGGCTTGAGTGATCCAGTCCAGGTAGCCCC[G>A]CAGGTCTTCCTCCATCTGCTGCTTCTCCCGCTGCTTCTGGAAGTCCCCGCGAGCTTTCGC-3'
Protein context (NP_001243718.1, residues 392-412): REKQQMEEDL[Arg402Trp]GYLDWITQAE